The following is an entry in ClinVar:

NM_004415.4(DSP):c.6579A>T (p.Glu2193Asp)

Gene: DSP (desmoplakin; plus strand). Cytogenetic location: 6p24.3.
Variant type: single nucleotide variant.
Coding change: c.6579A>T on transcript NM_004415.4 (MANE Select); coding-DNA position 6579, A replaced by T.
Protein change: p.Glu2193Asp; replaces glutamic acid 2193 with aspartic acid.
Molecular consequence: missense variant.
Genome position (GRCh38, 1-based): chr6:7,583,841, A>T. VCF-style: chr6-7583841-A-T. GRCh37 (hg19) VCF-style: chr6-7584074-A-T.
Other names: c.4782A>T, p.Glu1594Asp (NM_001008844.3); c.5250A>T, p.Glu1750Asp (NM_001319034.2); short protein forms E1594D, E1750D, E2193D.
Identifiers: ClinVar variation 1311977 (VCV001311977.2), dbSNP rs2113700718, ClinGen allele CA362691099.

ClinVar aggregate classification (germline): Uncertain significance (1 of 4 stars; one submission).

Submission:

GeneDx
Classification: Uncertain significance. Last evaluated: 2020-01-16. Review status: criteria provided, single submitter. Criteria: GeneDx Variant Classification Process June 2021. Collection method: clinical testing. Allele origin: germline. Affected: yes.
Comment: Has not been previously published as pathogenic or benign to our knowledge; Not observed in large population cohorts (Lek et al., 2016); In silico analysis, which includes protein predictors and evolutionary conservation, supports that this variant does not alter protein structure/function